The following is an entry in ClinVar:

ClinVar aggregate classification (germline): Uncertain significance (1 of 4 stars; one submission).

Allele frequency attached by ClinVar (database versions not stated): gnomAD exomes 0.00002; TOPMed 0.00006.
gnomAD v4.1: 25 of 1,611,064 alleles (0.0016%); highest among the groups gnomAD compares: African/African-American, 0.021%; no homozygotes.

Submission:

Labcorp Genetics (formerly Invitae), Labcorp
Classification: Uncertain significance. Last evaluated: 2024-07-30. Review status: criteria provided, single submitter. Criteria: Invitae Variant Classification Sherloc (09022015). Collection method: clinical testing. Allele origin: germline.
Comment: This sequence change replaces glycine, which is neutral and non-polar, with alanine, which is neutral and non-polar, at codon 593 of the RIMS1 protein (p.Gly593Ala). This variant is present in population databases (rs373920978, gnomAD 0.02%). This variant has not been reported in the literature in individuals affected with RIMS1-related conditions. ClinVar contains an entry for this variant (Variation ID: 1018314). An algorithm developed to predict the effect of missense changes on protein structure and function (PolyPhen-2) suggests that this variant is likely to be disruptive. In summary, the available evidence is currently insufficient to determine the role of this variant in disease. Therefore, it has been classified as a Variant of Uncertain Significance.

NM_014989.7(RIMS1):c.1778G>C (p.Gly593Ala)

Gene: RIMS1 (regulating synaptic membrane exocytosis 1; plus strand). Cytogenetic location: 6q13.
Variant type: single nucleotide variant.
Coding change: c.1778G>C on transcript NM_014989.7 (MANE Select); coding-DNA position 1778, G replaced by C.
Protein change: p.Gly593Ala; replaces glycine 593 with alanine.
Molecular consequence: missense variant. On other transcripts: 5 prime UTR variant (9).
Genome position (GRCh38, 1-based): chr6:72,235,649, G>C. VCF-style: chr6-72235649-G-C. GRCh37 (hg19) VCF-style: chr6-72945352-G-C.
Other names: c.200G>C, p.Gly67Ala (NM_001168407.2, NM_001168408.2, NM_001350414.2 and 37 more transcripts); c.-44G>C (NM_001168409.2, NM_001350461.2, NM_001350463.2 and 6 more transcripts); c.155G>C, p.Gly52Ala (NM_001168410.2, NM_001350470.2, NM_001350472.2 and 2 more transcripts); c.131G>C, p.Gly44Ala (NM_001350421.2, NM_001350424.2, NM_001350428.2 and 6 more transcripts); short protein forms G44A, G52A, G593A, G67A.
Identifiers: ClinVar variation 1018314 (VCV001018314.6), dbSNP rs373920978, ClinGen allele CA3885814.